The following is an entry in ClinVar:

NM_000807.4(GABRA2):c.248C>T (p.Thr83Ile)

Gene: GABRA2 (gamma-aminobutyric acid type A receptor subunit alpha2; minus strand). Cytogenetic location: 4p12.
Variant type: single nucleotide variant.
Coding change: c.248C>T on transcript NM_000807.4 (MANE Select); coding-DNA position 248, C replaced by T.
Protein change: p.Thr83Ile; replaces threonine 83 with isoleucine.
Molecular consequence: missense variant. On other transcripts: intron variant (4).
Genome position (GRCh38, 1-based): chr4:46,332,622, G>A on the plus strand (C>T on the coding strand, the complement: GABRA2 is on the minus strand). VCF-style: chr4-46332622-G-A. GRCh37 (hg19) VCF-style: chr4-46334639-G-A.
Other names: c.248C>T, p.Thr83Ile (NM_001114175.3, NM_001330690.2, NM_001377144.1 and 8 more transcripts); c.91-19906C>T (NM_001377154.1, NM_001377152.1, NM_001286827.3 and 1 more transcripts); short protein forms T83I.
Identifiers: ClinVar variation 4718774 (VCV004718774.1).

ClinVar aggregate classification (germline): Uncertain significance (1 of 4 stars; one submission).

Submission:

Labcorp Genetics (formerly Invitae), Labcorp
Classification: Uncertain significance. Last evaluated: 2025-05-01. Review status: criteria provided, single submitter. Criteria: Invitae Variant Classification Sherloc (09022015). Collection method: clinical testing. Allele origin: germline.
Comment: This sequence change replaces threonine, which is neutral and polar, with isoleucine, which is neutral and non-polar, at codon 83 of the GABRA2 protein (p.Thr83Ile). This variant is not present in population databases (gnomAD no frequency). This variant has not been reported in the literature in individuals affected with GABRA2-related conditions. An algorithm developed to predict the effect of missense changes on protein structure and function (PolyPhen-2) suggests that this variant is likely to be tolerated. In summary, the available evidence is currently insufficient to determine the role of this variant in disease. Therefore, it has been classified as a Variant of Uncertain Significance.